The following is an entry in ClinVar:

NM_001384732.1(CPLANE1):c.7253T>C (p.Ile2418Thr)

Gene: CPLANE1 (ciliogenesis and planar polarity effector complex subunit 1; minus strand). Cytogenetic location: 5p13.2.
Variant type: single nucleotide variant.
Coding change: c.7253T>C on transcript NM_001384732.1 (MANE Select); coding-DNA position 7253, T replaced by C.
Protein change: p.Ile2418Thr; replaces isoleucine 2418 with threonine.
Molecular consequence: missense variant.
Genome position (GRCh38, 1-based): chr5:37,167,194, A>G on the plus strand (T>C on the coding strand, the complement: CPLANE1 is on the minus strand). VCF-style: chr5-37167194-A-G. GRCh37 (hg19) VCF-style: chr5-37167296-A-G.
Other names: c.7253T>C, p.Ile2418Thr (NM_023073.4); short protein forms I2418T.
Identifiers: ClinVar variation 571190 (VCV000571190.10), dbSNP rs775229916, ClinGen allele CA3238104.

ClinVar aggregate classification (germline): Uncertain significance (1 of 4 stars; one submission).

Allele frequency attached by ClinVar (database versions not stated): ExAC 0.00001.

Submission:

Labcorp Genetics (formerly Invitae), Labcorp
Classification: Uncertain significance. Last evaluated: 2019-07-24. Review status: criteria provided, single submitter. Criteria: Invitae Variant Classification Sherloc (09022015). Collection method: clinical testing. Allele origin: germline.
Comment: This variant is present in population databases (rs775229916, ExAC 0.002%). This sequence change replaces isoleucine with threonine at codon 2418 of the C5orf42 protein (p.Ile2418Thr). The isoleucine residue is highly conserved and there is a moderate physicochemical difference between isoleucine and threonine. In summary, the available evidence is currently insufficient to determine the role of this variant in disease. Therefore, it has been classified as a Variant of Uncertain Significance. Algorithms developed to predict the effect of missense changes on protein structure and function output the following: SIFT: "Deleterious"; PolyPhen-2: "Probably Damaging"; Align-GVGD: "Class C0". The threonine amino acid residue is found in multiple mammalian species, suggesting that this missense change does not adversely affect protein function. These predictions have not been confirmed by published functional studies and their clinical significance is uncertain. This variant has not been reported in the literature in individuals with C5orf42-related disease.